The following is an entry in ClinVar:

NM_144687.4(NLRP12):c.2123C>A (p.Ala708Asp)

Gene: NLRP12 (NLR family pyrin domain containing 12; minus strand). Cytogenetic location: 19q13.42.
Variant type: single nucleotide variant.
Coding change: c.2123C>A on transcript NM_144687.4 (MANE Select); coding-DNA position 2123, C replaced by A.
Protein change: p.Ala708Asp; replaces alanine 708 with aspartic acid.
Molecular consequence: missense variant.
Genome position (GRCh38, 1-based): chr19:53,807,615, G>T on the plus strand (C>A on the coding strand, the complement: NLRP12 is on the minus strand). VCF-style: chr19-53807615-G-T. GRCh37 (hg19) VCF-style: chr19-54310869-G-T.
Other names: c.2126C>A, p.Ala709Asp (NM_001277126.2); c.2123C>A, p.Ala708Asp (NM_001277129.1); short protein forms A709D, A708D.
Identifiers: ClinVar variation 1424618 (VCV001424618.8), dbSNP rs2122636258, ClinGen allele CA407411364.
Genomic context (GRCh38, chr19:53,807,615, plus strand): 5'-CGGCTGCCCAGGGCATTTCGGTACAGAGACAGCTCTATCAGGTTTGGATTGGTGCACAGG[G>T]CCGCTGCCAGATGTTCACTGTAGGCGTCCAGCAGAACGGTCCTCTCTGGTCTGCTTGAAG-3'
Protein context (NP_653288.1, residues 698-718): LDAYSEHLAA[Ala708Asp]LCTNPNLIEL

ClinVar aggregate classification (germline): Uncertain significance (1 of 4 stars; one submission).

Conditions:
Familial cold autoinflammatory syndrome 2 (FCAS2). Identifiers: Orphanet 247868, MedGen C2673198, MONDO:0012724, OMIM 611762.

Submission:

Labcorp Genetics (formerly Invitae), Labcorp
Classification: Uncertain significance for Familial cold autoinflammatory syndrome 2. Last evaluated: 2021-01-11. Review status: criteria provided, single submitter. Criteria: Invitae Variant Classification Sherloc (09022015). Collection method: clinical testing. Allele origin: germline.
Comment: In summary, the available evidence is currently insufficient to determine the role of this variant in disease. Therefore, it has been classified as a Variant of Uncertain Significance. Algorithms developed to predict the effect of missense changes on protein structure and function are either unavailable or do not agree on the potential impact of this missense change (SIFT: "Deleterious"; PolyPhen-2: "Possibly Damaging"; Align-GVGD: "Class C0"). This variant has not been reported in the literature in individuals with NLRP12-related conditions. This variant is not present in population databases (ExAC no frequency). This sequence change replaces alanine with aspartic acid at codon 708 of the NLRP12 protein (p.Ala708Asp). The alanine residue is moderately conserved and there is a moderate physicochemical difference between alanine and aspartic acid.